The following is an entry in ClinVar:

ClinVar aggregate classification (germline): Uncertain significance (1 of 4 stars; one submission).

gnomAD v4.1: 5 of 1,613,254 alleles (0.00031%); highest among the groups gnomAD compares: Admixed American, 0.0017%; no homozygotes.

Submission:

Labcorp Genetics (formerly Invitae), Labcorp
Classification: Uncertain significance. Last evaluated: 2023-12-08. Review status: criteria provided, single submitter. Criteria: Invitae Variant Classification Sherloc (09022015). Collection method: clinical testing. Allele origin: germline.
Comment: This sequence change replaces alanine, which is neutral and non-polar, with serine, which is neutral and polar, at codon 767 of the CLCN6 protein (p.Ala767Ser). This variant is present in population databases (no rsID available, gnomAD 0.007%). This variant has not been reported in the literature in individuals affected with CLCN6-related conditions. ClinVar contains an entry for this variant (Variation ID: 1713874). Algorithms developed to predict the effect of missense changes on protein structure and function output the following: SIFT: "Not Available"; PolyPhen-2: "Benign"; Align-GVGD: "Not Available". The serine amino acid residue is found in multiple mammalian species, which suggests that this missense change does not adversely affect protein function. In summary, the available evidence is currently insufficient to determine the role of this variant in disease. Therefore, it has been classified as a Variant of Uncertain Significance.

NM_001286.5(CLCN6):c.2299G>T (p.Ala767Ser)

Gene: CLCN6 (chloride voltage-gated channel 6; plus strand). Cytogenetic location: 1p36.22.
Variant type: single nucleotide variant.
Coding change: c.2299G>T on transcript NM_001286.5 (MANE Select); coding-DNA position 2299, G replaced by T.
Protein change: p.Ala767Ser; replaces alanine 767 with serine.
Molecular consequence: missense variant. On other transcripts: non-coding transcript variant (1).
Genome position (GRCh38, 1-based): chr1:11,838,338, G>T. VCF-style: chr1-11838338-G-T. GRCh37 (hg19) VCF-style: chr1-11898395-G-T.
Other names: c.2233G>T, p.Ala745Ser (NM_001256959.2); short protein forms A745S, A767S.
Identifiers: ClinVar variation 1713874 (VCV001713874.5), dbSNP rs201096522, ClinGen allele CA338442580.